The following is an entry in ClinVar:

ClinVar aggregate classification (germline): Uncertain significance (1 of 4 stars; one submission).

Conditions:
Cardiovascular phenotype. Identifiers: MedGen CN230736.

Allele frequency attached by ClinVar (database versions not stated): gnomAD exomes below 0.00001; TOPMed below 0.00001.
gnomAD v4.1: 2 of 1,591,424 alleles (0.00013%); highest among the groups gnomAD compares: Non-Finnish European, 0.00017%; no homozygotes.

Submission:

Ambry Genetics
Classification: Uncertain significance for Cardiovascular phenotype. Last evaluated: 2025-06-17. Review status: criteria provided, single submitter. Criteria: Ambry Variant Classification Scheme 2023. Collection method: clinical testing. Allele origin: germline.
Comment: The p.L479M variant (also known as c.1435C>A), located in coding exon 4 of the KCND3 gene, results from a C to A substitution at nucleotide position 1435. The leucine at codon 479 is replaced by methionine, an amino acid with highly similar properties. This amino acid position is highly conserved in available vertebrate species. In addition, the in silico prediction for this alteration is inconclusive. Since supporting evidence is limited at this time, the clinical significance of this alteration remains unclear.

NM_001378969.1(KCND3):c.1435C>A (p.Leu479Met)

Gene: KCND3 (potassium voltage-gated channel subfamily D member 3; minus strand). Cytogenetic location: 1p13.2.
Variant type: single nucleotide variant.
Coding change: c.1435C>A on transcript NM_001378969.1 (MANE Select); coding-DNA position 1435, C replaced by A.
Protein change: p.Leu479Met; replaces leucine 479 with methionine.
Molecular consequence: missense variant.
Genome position (GRCh38, 1-based): chr1:111,780,251, G>T on the plus strand (C>A on the coding strand, the complement: KCND3 is on the minus strand). VCF-style: chr1-111780251-G-T. GRCh37 (hg19) VCF-style: chr1-112322873-G-T.
Other names: c.1435C>A, p.Leu479Met (NM_001378970.1, NM_004980.5, NM_172198.3); short protein forms L479M.
Identifiers: ClinVar variation 1772599 (VCV001772599.3), dbSNP rs1664314080, ClinGen allele CA341658608.